The following is an entry in ClinVar:

ClinVar aggregate classification (germline): Likely pathogenic (0 of 4 stars; one submission).

Conditions:
Delayed speech and language development. Also called: Language delay. Identifiers: MedGen C0454644, HP:0000750.

Submission:

IU Genetic Testing Laboratories, Indiana University School of Medicine
Classification: Likely pathogenic for Delayed speech and language development. Last evaluated: 2020-09-30. Review status: no assertion criteria provided. Collection method: clinical testing. Allele origin: paternal, unknown. Inheritance: Autosomal dominant inheritance. Affected: yes. Observed: 2 heterozygotes. Clinical features observed: Delayed speech and language development (HP:0000750), Global developmental delay (HP:0001263), Microcephaly (HP:0000252), Attention deficit hyperactivity disorder (HP:0007018).
Comment: Deletions of this region have been described in individuals with variable neurodevelopmental phenotypes including speech and language impairment. This deletion does not encompass the FOXP2 gene, which has been strongly associated with speech and language impairment and is included in the deleted region for the majority of published cases (PMID: 17330859). However, one recent case report describes a 4.7 Mb deletion downstream of FOXP2 in three family members presenting with variable speech, language and neurodevelopmental phenotypes; the proband in this family also had microcephaly, minor facial dysmorphism including prominent ears and wide mouth (PMID: 32885567). Another published case of a deletion in this region that does not include FOXP2, as well as a review of several overlapping 7q31 deletions listed in the DECIPHER database, suggested consistent features of delayed speech and language development (PMID: 27075776). It was hypothesized that the deletion results in a position effect on the nearby FOXP2 gene expression.

Literature cited by the submitters: PubMed 17330859; PubMed 32885567; PubMed 27075776.

Single allele

Genes: FEZF1 (FEZ family zinc finger 1; minus strand), GPR37 (G protein-coupled receptor 37; minus strand), ANKRD7 (ankyrin repeat domain 7; plus strand), HYAL4 (hyaluronidase 4; plus strand), SLC13A1 (solute carrier family 13 member 1; minus strand) and 35 more. Cytogenetic location: 7q31.2-31.33.
Variant type: Deletion.
Identifiers: ClinVar variation 1687716 (VCV001687716.3).